The following is an entry in ClinVar:

ClinVar aggregate classification (germline): Uncertain significance. Review status: criteria provided, multiple submitters, no conflicts (2 of 4 stars). 2 submissions from 2 submitters: Uncertain significance (2). Last evaluated 2025-01-13.

Allele frequency attached by ClinVar (database versions not stated): ExAC 0.00001; gnomAD 0.00001; gnomAD exomes 0.00001; TOPMed 0.00001.
gnomAD v4.1: 18 of 1,613,764 alleles (0.0011%); highest among the groups gnomAD compares: Non-Finnish European, 0.0014%; no homozygotes.

Submissions (2):

Labcorp Genetics (formerly Invitae), Labcorp
Classification: Uncertain significance. Last evaluated: 2025-01-13. Review status: criteria provided, single submitter. Criteria: Invitae Variant Classification Sherloc (09022015). Collection method: clinical testing. Allele origin: germline.
Comment: This sequence change replaces threonine, which is neutral and polar, with alanine, which is neutral and non-polar, at codon 181 of the VCAN protein (p.Thr181Ala). This variant is present in population databases (rs771610957, gnomAD 0.0009%). This variant has not been reported in the literature in individuals affected with VCAN-related conditions. ClinVar contains an entry for this variant (Variation ID: 2122873). An algorithm developed to predict the effect of missense changes on protein structure and function (PolyPhen-2) suggests that this variant is likely to be disruptive. In summary, the available evidence is currently insufficient to determine the role of this variant in disease. Therefore, it has been classified as a Variant of Uncertain Significance.

Blueprint Genetics
Classification: Uncertain significance. Last evaluated: 2024-03-28. Review status: criteria provided, single submitter. Criteria: ACMG Guidelines, 2015. Collection method: clinical testing. Allele origin: germline.

NM_004385.5(VCAN):c.541A>G (p.Thr181Ala)

Gene: VCAN (versican; plus strand). Cytogenetic location: 5q14.2.
Variant type: single nucleotide variant.
Coding change: c.541A>G on transcript NM_004385.5 (MANE Select); coding-DNA position 541, A replaced by G.
Protein change: p.Thr181Ala; replaces threonine 181 with alanine.
Molecular consequence: missense variant.
Genome position (GRCh38, 1-based): chr5:83,493,641, A>G. VCF-style: chr5-83493641-A-G. GRCh37 (hg19) VCF-style: chr5-82789460-A-G.
Other names: c.541A>G, p.Thr181Ala (NM_001126336.3, NM_001164097.2, NM_001164098.2); short protein forms T181A.
Identifiers: ClinVar variation 2122873 (VCV002122873.5), dbSNP rs771610957, ClinGen allele CA3332474.